The following is an entry in ClinVar:

ClinVar aggregate classification (germline): Conflicting classifications of pathogenicity. Review status: criteria provided, conflicting classifications (1 of 4 stars). 2 submissions from 2 submitters: Uncertain significance (1); Likely benign (1). Last evaluated 2024-10-31.

Submissions (2):

Blueprint Genetics
Classification: Likely benign. Last evaluated: 2024-10-31. Review status: criteria provided, single submitter. Criteria: ACMG Guidelines, 2015. Collection method: clinical testing. Allele origin: germline.

Labcorp Genetics (formerly Invitae), Labcorp
Classification: Uncertain significance. Last evaluated: 2021-08-04. Review status: criteria provided, single submitter. Criteria: Invitae Variant Classification Sherloc (09022015). Collection method: clinical testing. Allele origin: germline.
Comment: In summary, the available evidence is currently insufficient to determine the role of this variant in disease. Therefore, it has been classified as a Variant of Uncertain Significance. Nucleotide substitutions within the consensus splice site are a relatively common cause of aberrant splicing (PMID: 17576681, 9536098). Algorithms developed to predict the effect of sequence changes on RNA splicing suggest that this variant is not likely to affect RNA splicing. This variant has not been reported in the literature in individuals affected with CLCN7-related conditions. The frequency data for this variant in the population databases is considered unreliable, as metrics indicate insufficient coverage at this position in the ExAC database. This sequence change falls in intron 1 of the CLCN7 gene. It does not directly change the encoded amino acid sequence of the CLCN7 protein. It affects a nucleotide within the consensus splice site of the intron.

Literature cited by the submitters: PubMed 17576681 (cited by Labcorp Genetics (formerly Invitae), Labcorp); PubMed 9536098 (cited by Labcorp Genetics (formerly Invitae), Labcorp).

NM_001287.6(CLCN7):c.141+6G>A

Genes: CLCN7 (Cl-/H+ antiporter 7; minus strand), LOC130058166 (ATAC-STARR-seq lymphoblastoid silent region 6986; plus strand). Cytogenetic location: 16p13.3.
Variant type: single nucleotide variant.
Coding change: c.141+6G>A on transcript NM_001287.6 (MANE Select); 6 bases into the intron after coding-DNA position 141, G replaced by A.
Molecular consequence: intron variant.
Genome position (GRCh38, 1-based): chr16:1,474,828, C>T on the plus strand (G>A on the coding strand, the complement: CLCN7 is on the minus strand). VCF-style: chr16-1474828-C-T. GRCh37 (hg19) VCF-style: chr16-1524829-C-T.
Other names: c.141+6G>A (NM_001114331.3).
Identifiers: ClinVar variation 1427008 (VCV001427008.7), dbSNP rs1460139265, ClinGen allele CA620341168.